The following is an entry in ClinVar:

NM_001558.4(IL10RA):c.634C>T (p.Arg212Ter)

Gene: IL10RA (interleukin 10 receptor subunit alpha; plus strand). Cytogenetic location: 11q23.3.
Variant type: single nucleotide variant.
Coding change: c.634C>T on transcript NM_001558.4 (MANE Select); coding-DNA position 634, C replaced by T.
Protein change: p.Arg212Ter; replaces arginine 212 with a stop codon.
Molecular consequence: nonsense. On other transcripts: non-coding transcript variant (1).
Genome position (GRCh38, 1-based): chr11:117,994,095, C>T. VCF-style: chr11-117994095-C-T. GRCh37 (hg19) VCF-style: chr11-117864810-C-T.
Other names: short protein forms R212*.
Identifiers: ClinVar variation 830052 (VCV000830052.6), dbSNP rs1591263883, ClinGen allele CA382775787.

ClinVar aggregate classification (germline): Pathogenic. Review status: criteria provided, multiple submitters, no conflicts (2 of 4 stars). 2 submissions from 2 submitters: Pathogenic (2). Last evaluated 2025-08-19.

Conditions:
Inflammatory bowel disease 28. Also called: Inflammatory bowel disease 28, early onset, autosomal recessive. Identifiers: Orphanet 238569, MedGen C2751053, MONDO:0013153, OMIM 613148.

Allele frequency attached by ClinVar (database versions not stated): TOPMed below 0.00001; gnomAD 0.00001; gnomAD exomes 0.00001.

Submissions (2):

Labcorp Genetics (formerly Invitae), Labcorp
Classification: Pathogenic for Inflammatory bowel disease 28. Last evaluated: 2025-08-19. Review status: criteria provided, single submitter. Criteria: Invitae Variant Classification Sherloc (09022015). Collection method: clinical testing. Allele origin: germline.
Comment: This sequence change creates a premature translational stop signal (p.Arg212*) in the IL10RA gene. It is expected to result in an absent or disrupted protein product. Loss-of-function variants in IL10RA are known to be pathogenic (PMID: 24216686, 25373860, 26822028). This variant is not present in population databases (gnomAD no frequency). This premature translational stop signal has been observed in individual(s) with inflammatory bowel disease (PMID: 27747465). ClinVar contains an entry for this variant (Variation ID: 830052). For these reasons, this variant has been classified as Pathogenic.

Center for Molecular Medicine, Children’s Hospital of Fudan University
Classification: Pathogenic for Inflammatory bowel disease 28. Last evaluated: 2019-05-10. Review status: criteria provided, single submitter. Criteria: ACMG Guidelines, 2015. Collection method: clinical testing. Allele origin: maternal. Affected: yes.

Literature cited by the submitters: PubMed 24216686 (cited by Labcorp Genetics (formerly Invitae), Labcorp); PubMed 25373860 (cited by Labcorp Genetics (formerly Invitae), Labcorp); PubMed 26822028 (cited by Labcorp Genetics (formerly Invitae), Labcorp); PubMed 27747465 (cited by Labcorp Genetics (formerly Invitae), Labcorp).